The following is an entry in ClinVar:

NM_000384.3(APOB):c.2181T>C (p.Pro727=)

Gene: APOB (apolipoprotein B; minus strand). Cytogenetic location: 2p24.1.
Variant type: single nucleotide variant.
Coding change: c.2181T>C on transcript NM_000384.3 (MANE Select); coding-DNA position 2181, T replaced by C.
Protein change: p.Pro727=; no amino-acid change (proline 727 retained).
Molecular consequence: synonymous variant.
Genome position (GRCh38, 1-based): chr2:21,026,851, A>G on the plus strand (T>C on the coding strand, the complement: APOB is on the minus strand). VCF-style: chr2-21026851-A-G. GRCh37 (hg19) VCF-style: chr2-21249723-A-G.
Identifiers: ClinVar variation 2586186 (VCV002586186.3), dbSNP rs1572795115, ClinGen allele CA425137799.

ClinVar aggregate classification (germline): Likely benign. Review status: criteria provided, multiple submitters, no conflicts (2 of 4 stars). 2 submissions from 2 submitters: Likely benign (2). Last evaluated 2024-07-01.

Conditions:
Cardiovascular phenotype. Identifiers: MedGen CN230736.
Familial hypercholesterolemia. Also called: Familial hypercholesterolaemia. Identifiers: MedGen C0020445, MONDO:0005439.

Allele frequency attached by ClinVar (database versions not stated): gnomAD exomes 0.00001.
gnomAD v4.1: 11 of 1,614,140 alleles (0.00068%); highest among the groups gnomAD compares: Non-Finnish European, 0.00093%; no homozygotes.

Submissions (2):

GENinCode PLC
Classification: Likely benign for Familial hypercholesterolemia. Last evaluated: 2024-07-01. Review status: criteria provided, single submitter. Criteria: ACMG Guidelines, 2015. Collection method: clinical testing. Allele origin: germline.
Comment: This is a synonymous (silent) variant that is not predicted by SpliceAI to impact splicing. In addition, it occurs at a nucleotide that is not conserved. Therefore this variant has been classified as Likely Benign (BP4, BP7).

Ambry Genetics
Classification: Likely benign for Cardiovascular phenotype. Last evaluated: 2023-07-31. Review status: criteria provided, single submitter. Criteria: Ambry Variant Classification Scheme 2023. Collection method: clinical testing. Allele origin: germline.